The following is an entry in ClinVar:

NM_000256.3(MYBPC3):c.1791-2A>C

Gene: MYBPC3 (myosin binding protein C3; minus strand). Cytogenetic location: 11p11.2.
Variant type: single nucleotide variant.
Coding change: c.1791-2A>C on transcript NM_000256.3 (MANE Select); the canonical splice acceptor site of the intron before coding-DNA position 1791, A replaced by C.
Molecular consequence: splice acceptor variant.
Genome position (GRCh38, 1-based): chr11:47,341,246, T>G on the plus strand (A>C on the coding strand, the complement: MYBPC3 is on the minus strand). VCF-style: chr11-47341246-T-G. GRCh37 (hg19) VCF-style: chr11-47362797-T-G.
Identifiers: ClinVar variation 180949 (VCV000180949.2), dbSNP rs112179534, ClinGen allele CA011151.
Genomic context (GRCh38, chr11:47,341,246, plus strand): 5'-CAAAGCTGTAGTCAGCCTCGTCGGCAGGTGTGACGTCGTCAATGGTCAGTTTGTGGACCC[T>G]GCAGGGGAGCAGTGGCTCAGGGGACCCCACTGGGCCACACACCCCTGGCCTTGCCAGATA-3'

ClinVar aggregate classification (germline): Pathogenic (1 of 4 stars; one submission).

Submission:

GeneDx
Classification: Pathogenic. Last evaluated: 2014-08-15. Review status: criteria provided, single submitter. Criteria: GeneDx Variant Classification (06012015). Collection method: clinical testing. Allele origin: germline. Affected: yes.
Comment: c.1791-2 A>C: IVS18-2 A>C in intron 18 of the MYBPC3 gene (NM_000256.3) Mutations in the MYBPC3 gene have been reported in 20%-30% of patients with autosomal dominant familial hypertrophic cardiomyopathy (HCM), and have been reported less frequently in patients with autosomal dominant familial dilated cardiomyopathy (DCM) (Cirino et al., 2011; Hershberger et al., 2009). Although the c.1791-2 A>C mutation has not been reported as a disease-causing mutation or as a benign polymorphism to our knowledge, this mutation destroys the canonical splice acceptor site in intron 18 and is predicted to cause abnormal gene splicing. Other splice site mutations in the MYBPC3 gene have been reported in association with cardiomyopathy. In summary, c.1791-2 A>C in the MYBPC3 gene is interpreted as a disease-causing mutation. The variant is found in CARDIOMYOPATHY panel(s).